The following is an entry in ClinVar:

ClinVar aggregate classification (germline): Uncertain significance. Review status: criteria provided, multiple submitters, no conflicts (2 of 4 stars). 2 submissions from 2 submitters: Uncertain significance (2). Last evaluated 2024-11-15.

Conditions:
3-methylglutaconic aciduria with deafness, encephalopathy, and Leigh-like syndrome (MEGDEL). Also called: 3-METHYLGLUTACONIC ACIDURIA, TYPE VI; SERAC1 Deficiency; MEGDEL syndrome. Identifiers: Orphanet 352328, MedGen C4040739, MONDO:0013875, OMIM 614739.

Allele frequency attached by ClinVar (database versions not stated): gnomAD 0.00001; gnomAD exomes 0.00001; TOPMed 0.00001; ExAC 0.00002.
gnomAD v4.1: 17 of 1,605,296 alleles (0.0011%); highest among the groups gnomAD compares: Admixed American, 0.0034%; no homozygotes.

Submissions (2):

Blueprint Genetics
Classification: Uncertain significance. Last evaluated: 2024-11-15. Review status: criteria provided, single submitter. Criteria: ACMG Guidelines, 2015. Collection method: clinical testing. Allele origin: germline.

Labcorp Genetics (formerly Invitae), Labcorp
Classification: Uncertain significance for 3-methylglutaconic aciduria with deafness, encephalopathy, and Leigh-like syndrome. Last evaluated: 2024-11-11. Review status: criteria provided, single submitter. Criteria: Invitae Variant Classification Sherloc (09022015). Collection method: clinical testing. Allele origin: germline.
Comment: This sequence change falls in intron 8 of the SERAC1 gene. It does not directly change the encoded amino acid sequence of the SERAC1 protein. It affects a nucleotide within the consensus splice site. This variant is present in population databases (rs779683683, gnomAD 0.006%). This variant has not been reported in the literature in individuals affected with SERAC1-related conditions. ClinVar contains an entry for this variant (Variation ID: 2054070). Variants that disrupt the consensus splice site are a relatively common cause of aberrant splicing (PMID: 17576681, 9536098). Algorithms developed to predict the effect of sequence changes on RNA splicing suggest that this variant may disrupt the consensus splice site. In summary, the available evidence is currently insufficient to determine the role of this variant in disease. Therefore, it has been classified as a Variant of Uncertain Significance.

Literature cited by the submitters: PubMed 17576681 (cited by Labcorp Genetics (formerly Invitae), Labcorp); PubMed 9536098 (cited by Labcorp Genetics (formerly Invitae), Labcorp).

NM_032861.4(SERAC1):c.738+5G>C

Gene: SERAC1 (serine active site containing 1; minus strand). Cytogenetic location: 6q25.3.
Variant type: single nucleotide variant.
Coding change: c.738+5G>C on transcript NM_032861.4 (MANE Select); 5 bases into the intron after coding-DNA position 738, G replaced by C.
Molecular consequence: intron variant.
Genome position (GRCh38, 1-based): chr6:158,143,051, C>G on the plus strand (G>C on the coding strand, the complement: SERAC1 is on the minus strand). VCF-style: chr6-158143051-C-G. GRCh37 (hg19) VCF-style: chr6-158564083-C-G.
Identifiers: ClinVar variation 2054070 (VCV002054070.4), dbSNP rs779683683, ClinGen allele CA4071280.
Genomic context (GRCh38, chr6:158,143,051, plus strand): 5'-CTGACACAATACATTGGAAAGGGTGGACACTCAAAAATATTTACTGAATGAATACATGAA[C>G]TAACCTTCTGAGCAGCTAGACTCTGACTGCTTTCACTAAGAGCCAAAGATGTAAAATACT-3'